The following is an entry in ClinVar:

NM_018082.6(POLR3B):c.3102A>G (p.Gln1034=)

Genes: POLR3B (RNA polymerase III subunit B; plus strand), LOC100287944 (uncharacterized LOC100287944; minus strand). Cytogenetic location: 12q23.3.
Variant type: single nucleotide variant.
Coding change: c.3102A>G on transcript NM_018082.6 (MANE Select); coding-DNA position 3102, A replaced by G.
Protein change: p.Gln1034=; no amino-acid change (glutamine 1034 retained).
Molecular consequence: synonymous variant.
Genome position (GRCh38, 1-based): chr12:106,504,084, A>G. VCF-style: chr12-106504084-A-G. GRCh37 (hg19) VCF-style: chr12-106897862-A-G.
Other names: c.2928A>G, p.Gln976= (NM_001160708.2).
Identifiers: ClinVar variation 3903340 (VCV003903340.1).

ClinVar aggregate classification (germline): Uncertain significance (1 of 4 stars; one submission).

gnomAD v4.1: 9 of 1,613,690 alleles (0.00056%); highest among the groups gnomAD compares: Middle Eastern, 0.016%; no homozygotes.

Submission:

GeneDx
Classification: Uncertain significance. Last evaluated: 2024-12-16. Review status: criteria provided, single submitter. Criteria: GeneDx Variant Classification Process June 2021. Collection method: clinical testing. Allele origin: germline. Affected: yes.
Comment: Not observed at significant frequency in large population cohorts (gnomAD); Has not been previously published as pathogenic or benign to our knowledge